The following is an entry in ClinVar:

NM_001128840.3(CACNA1D):c.5020G>A (p.Glu1674Lys)

Gene: CACNA1D (calcium voltage-gated channel subunit alpha1 D; plus strand). Cytogenetic location: 3p21.1.
Variant type: single nucleotide variant.
Coding change: c.5020G>A on transcript NM_001128840.3 (MANE Select); coding-DNA position 5020, G replaced by A.
Protein change: p.Glu1674Lys; replaces glutamic acid 1674 with lysine.
Molecular consequence: missense variant.
Genome position (GRCh38, 1-based): chr3:53,800,345, G>A. VCF-style: chr3-53800345-G-A. GRCh37 (hg19) VCF-style: chr3-53834372-G-A.
Other names: c.5080G>A, p.Glu1694Lys (NM_000720.4); c.4975G>A, p.Glu1659Lys (NM_001128839.3); c.5080G>A (NM_000720.2); short protein forms E1694K, E1659K, E1674K.
Identifiers: ClinVar variation 1371805 (VCV001371805.9), dbSNP rs903894477, ClinGen allele CA74859495.

ClinVar aggregate classification (germline): Uncertain significance. Review status: criteria provided, multiple submitters, no conflicts (2 of 4 stars). 2 submissions from 2 submitters: Uncertain significance (2). Last evaluated 2025-11-18.

Conditions:
Inborn genetic diseases. Identifiers: MedGen C0950123, MeSH D030342.

Allele frequency attached by ClinVar (database versions not stated): gnomAD exomes below 0.00001 and 0.00001; gnomAD 0.00005; TOPMed 0.00005.
gnomAD v4.1: 12 of 1,610,470 alleles (0.00075%); highest among the groups gnomAD compares: Admixed American, 0.015%; no homozygotes.

Submissions (2):

Labcorp Genetics (formerly Invitae), Labcorp
Classification: Uncertain significance. Last evaluated: 2025-11-18. Review status: criteria provided, single submitter. Criteria: Invitae Variant Classification Sherloc (09022015). Collection method: clinical testing. Allele origin: germline.
Comment: This sequence change replaces glutamic acid, which is acidic and polar, with lysine, which is basic and polar, at codon 1694 of the CACNA1D protein (p.Glu1694Lys). This variant is present in population databases (no rsID available, gnomAD 0.006%). This variant has not been reported in the literature in individuals affected with CACNA1D-related conditions. ClinVar contains an entry for this variant (Variation ID: 1371805). An algorithm developed to predict the effect of missense changes on protein structure and function (PolyPhen-2) suggests that this variant is likely to be disruptive. In summary, the available evidence is currently insufficient to determine the role of this variant in disease. Therefore, it has been classified as a Variant of Uncertain Significance.

Ambry Genetics
Classification: Uncertain significance for Inborn genetic diseases. Last evaluated: 2024-03-30. Review status: criteria provided, single submitter. Criteria: Ambry Variant Classification Scheme 2023. Collection method: clinical testing. Allele origin: germline.